The following is an entry in ClinVar:

NM_001365951.3(KIF1B):c.5342C>A (p.Ala1781Asp)

Gene: KIF1B (kinesin family member 1B; plus strand). Cytogenetic location: 1p36.22.
Variant type: single nucleotide variant.
Coding change: c.5342C>A on transcript NM_001365951.3 (MANE Select); coding-DNA position 5342, C replaced by A.
Protein change: p.Ala1781Asp; replaces alanine 1781 with aspartic acid.
Molecular consequence: missense variant.
Genome position (GRCh38, 1-based): chr1:10,375,307, C>A. VCF-style: chr1-10375307-C-A. GRCh37 (hg19) VCF-style: chr1-10435365-C-A.
Other names: c.5342C>A, p.Ala1781Asp (NM_001365952.1); c.5204C>A, p.Ala1735Asp (NM_015074.3); short protein forms A1735D, A1781D.
Identifiers: ClinVar variation 3864020 (VCV003864020.1).

ClinVar aggregate classification (germline): Uncertain significance (1 of 4 stars; one submission).

gnomAD v4.1: 1 of 1,614,198 alleles (0.000062%); highest among the groups gnomAD compares: Non-Finnish European, 0.000085%; no homozygotes.

Submission:

Ambry Genetics
Classification: Uncertain significance. Last evaluated: 2025-03-02. Review status: criteria provided, single submitter. Criteria: Ambry Variant Classification Scheme 2023. Collection method: clinical testing. Allele origin: germline.
Comment: The p.A1735D variant (also known as c.5204C>A), located in coding exon 45 of the KIF1B gene, results from a C to A substitution at nucleotide position 5204. The alanine at codon 1735 is replaced by aspartic acid, an amino acid with dissimilar properties. This amino acid position is conserved. In addition, this alteration is predicted to be deleterious by in silico analysis. Based on the available evidence, the clinical significance of this variant remains unclear.